The following is an entry in ClinVar:

ClinVar aggregate classification (germline): Pathogenic (1 of 4 stars; one submission).

Conditions:
Familial hemophagocytic lymphohistiocytosis 5. Also called: STXBP2-Related Familial Hemophagocytic Lymphohistiocytosis (STXBP2-fHLH). Identifiers: Orphanet 540, MedGen C2751293, MONDO:0013135, OMIM 613101.

Submission:

Labcorp Genetics (formerly Invitae), Labcorp
Classification: Pathogenic for Familial hemophagocytic lymphohistiocytosis 5. Last evaluated: 2023-03-18. Review status: criteria provided, single submitter. Criteria: Invitae Variant Classification Sherloc (09022015). Collection method: clinical testing. Allele origin: germline.
Comment: For these reasons, this variant has been classified as Pathogenic. This variant disrupts a region of the STXBP2 protein in which other variant(s) (p.Gly541Ser) have been determined to be pathogenic (PMID: 20558610, 20798128, 20823128, 24194549). This suggests that this is a clinically significant region of the protein, and that variants that disrupt it are likely to be disease-causing. This sequence change creates a premature translational stop signal (p.Gly455Alafs*120) in the STXBP2 gene. While this is not anticipated to result in nonsense mediated decay, it is expected to disrupt the last 139 amino acid(s) of the STXBP2 protein. This variant is not present in population databases (gnomAD no frequency). This variant has not been reported in the literature in individuals affected with STXBP2-related conditions.

Literature cited by the submitters: PubMed 20558610; PubMed 20798128; PubMed 20823128; PubMed 24194549.

NM_006949.4(STXBP2):c.1364_1377del (p.Gly455fs)

Gene: STXBP2 (syntaxin binding protein 2; plus strand). Cytogenetic location: 19p13.2.
Variant type: Deletion.
Coding change: c.1364_1377del on transcript NM_006949.4 (MANE Select); coding-DNA positions 1364 to 1377, 14 bases deleted (GGACCTCCAGCCGG).
Protein change: p.Gly455fs; shifts the reading frame from glycine 455.
Molecular consequence: frameshift variant. On other transcripts: non-coding transcript variant (1).
Genome position (GRCh38, 1-based): chr19:7,646,256-7,646,269, GGACCTCCAGCCGG deleted; deleting any 14 consecutive bases within chr19:7,646,253-7,646,269 gives the same sequence; the c. name uses the placement nearest the transcript's 3' end. VCF-style (leftmost placement, unchanged base first): chr19-7646252-TCGGGGACCTCCAGC-T. GRCh37 (hg19) VCF-style: chr19-7711138-TCGGGGACCTCCAGC-T.
Other names: c.1355_1368del, p.Gly452fs (NM_001127396.3); c.1397_1410del, p.Gly466fs (NM_001272034.2); c.1268_1281del, p.Gly423fs (NM_001414484.1); short protein forms G466fs, G455fs, G423fs, G452fs.
Identifiers: ClinVar variation 2846930 (VCV002846930.3), dbSNP rs2512711110, ClinGen allele CA2739276395.
Genomic context (GRCh38, chr19:7,646,252, plus strand): 5'-CTGTGACCAGCCTCCTTCCCCTCAATCCCCCTGCTGCCCTCCCTGCCCTGCCTGTAGGGC[TCGGGGACCTCCAGC>T]CGGCTGGAGCCGAGAGAACGCATGGAGCCCACCTATCAGCTGTCCCGCTGGACCCCGGTC-3'